The following is an entry in ClinVar:

ClinVar aggregate classification (germline): Uncertain significance (1 of 4 stars; one submission).

gnomAD v4.1: 9 of 1,489,622 alleles (0.0006%); highest among the groups gnomAD compares: Admixed American, 0.019%; no homozygotes.

Submission:

Ambry Genetics
Classification: Uncertain significance. Last evaluated: 2025-11-16. Review status: criteria provided, single submitter. Criteria: Ambry Variant Classification Scheme 2023. Collection method: clinical testing. Allele origin: germline.
Comment: The p.S87A variant (also known as c.259T>G), located in coding exon 3 of the PKP4 gene, results from a T to G substitution at nucleotide position 259. The serine at codon 87 is replaced by alanine, an amino acid with similar properties. This amino acid position is conserved. In addition, the in silico prediction for this alteration is inconclusive. Based on the available evidence, the clinical significance of this variant remains unclear.

NM_003628.6(PKP4):c.259T>G (p.Ser87Ala)

Gene: PKP4 (plakophilin 4; plus strand). Cytogenetic location: 2q24.1.
Variant type: single nucleotide variant.
Coding change: c.259T>G on transcript NM_003628.6 (MANE Select); coding-DNA position 259, T replaced by G.
Protein change: p.Ser87Ala; replaces serine 87 with alanine.
Molecular consequence: missense variant. On other transcripts: 5 prime UTR variant (1).
Genome position (GRCh38, 1-based): chr2:158,603,083, T>G. VCF-style: chr2-158603083-T-G. GRCh37 (hg19) VCF-style: chr2-159459595-T-G.
Other names: c.259T>G, p.Ser87Ala (NM_001005476.4, NM_001304969.3, NM_001304971.2 and 9 more transcripts); c.-691T>G (NM_001304970.3); short protein forms S87A.
Identifiers: ClinVar variation 3889698 (VCV003889698.2).